The following is an entry in ClinVar:

NM_002332.3(LRP1):c.2301C>T (p.Arg767=)

Gene: LRP1 (LDL receptor related protein 1; plus strand). Cytogenetic location: 12q13.3.
Variant type: single nucleotide variant.
Coding change: c.2301C>T on transcript NM_002332.3 (MANE Select); coding-DNA position 2301, C replaced by T.
Protein change: p.Arg767=; no amino-acid change (arginine 767 retained).
Molecular consequence: synonymous variant.
Genome position (GRCh38, 1-based): chr12:57,162,415, C>T. VCF-style: chr12-57162415-C-T. GRCh37 (hg19) VCF-style: chr12-57556198-C-T.
Identifiers: ClinVar variation 728510 (VCV000728510.29), dbSNP rs145618022, ClinGen allele CA6642729.
Genomic context (GRCh38, chr12:57,162,415, plus strand): 5'-CCTGTGTCACCATGGCAACTACCTCTTCTGGACTGAGTATCGGAGTGGCAGTGTCTACCG[C>T]TTGGAACGGGGTGTAGGAGGCGCACCCCCCACTGTGACCCTTCTGCGCAGTGAGCGGCCC-3'
Protein context (NP_002323.2, residues 757-777): WTEYRSGSVY[Arg767=]LERGVGGAPP

ClinVar aggregate classification (germline): Benign/Likely benign. Review status: criteria provided, multiple submitters, no conflicts (2 of 4 stars). 3 submissions from 3 submitters: Benign (1); Likely benign (2). Last evaluated 2025-06-01.

Allele frequency attached by ClinVar (database versions not stated): 1000 Genomes Project 30x 0.00078; 1000 Genomes Project 0.00080; TOPMed 0.00296; gnomAD exomes 0.00304 and 0.00473; ExAC 0.00307; gnomAD 0.00334 and 0.00372; ESP Exome Variant Server 0.00446.

Submissions (3):

CeGaT Center for Human Genetics Tuebingen
Classification: Likely benign. Last evaluated: 2025-06-01. Review status: criteria provided, single submitter. Criteria: CeGaT Center For Human Genetics Tuebingen Variant Classification Criteria Version 2. Collection method: clinical testing. Allele origin: germline. Affected: yes. Observed: 3 variant alleles.
Comment: LRP1: BP4, BP7, BS2

Blueprint Genetics
Classification: Likely benign. Last evaluated: 2024-11-18. Review status: criteria provided, single submitter. Criteria: ACMG Guidelines, 2015. Collection method: clinical testing. Allele origin: germline.

Labcorp Genetics (formerly Invitae), Labcorp
Classification: Benign. Last evaluated: 2019-12-31. Review status: criteria provided, single submitter. Criteria: Invitae Variant Classification Sherloc (09022015). Collection method: clinical testing. Allele origin: germline.